The following is an entry in ClinVar:

ClinVar aggregate classification (germline): Uncertain significance (1 of 4 stars; one submission).

Conditions:
Autosomal recessive limb-girdle muscular dystrophy type 2A (LGMDR1). Also called: LEYDEN-MOEBIUS MUSCULAR DYSTROPHY; MUSCULAR DYSTROPHY, PELVOFEMORAL; Limb-girdle muscular dystrophy, type 2A; Calpainopathy; Muscular dystrophy, limb-girdle, type 2A, Amish. Identifiers: Orphanet 267, MedGen C1869123, MONDO:0009675, OMIM 253600. Disease mechanism: loss of function.

Submission:

Labcorp Genetics (formerly Invitae), Labcorp
Classification: Uncertain significance for Autosomal recessive limb-girdle muscular dystrophy type 2A. Last evaluated: 2024-02-02. Review status: criteria provided, single submitter. Criteria: Invitae Variant Classification Sherloc (09022015). Collection method: clinical testing. Allele origin: germline.
Comment: This sequence change replaces glycine, which is neutral and non-polar, with glutamic acid, which is acidic and polar, at codon 710 of the CAPN3 protein (p.Gly710Glu). This variant is not present in population databases (gnomAD no frequency). This variant has not been reported in the literature in individuals affected with CAPN3-related conditions. Advanced modeling of protein sequence and biophysical properties (such as structural, functional, and spatial information, amino acid conservation, physicochemical variation, residue mobility, and thermodynamic stability) performed at Invitae indicates that this missense variant is not expected to disrupt CAPN3 protein function with a negative predictive value of 80%. In summary, the available evidence is currently insufficient to determine the role of this variant in disease. Therefore, it has been classified as a Variant of Uncertain Significance.

NM_000070.3(CAPN3):c.2129G>A (p.Gly710Glu)

Gene: CAPN3 (calpain 3; plus strand). Cytogenetic location: 15q15.1.
Variant type: single nucleotide variant.
Coding change: c.2129G>A on transcript NM_000070.3 (MANE Select); coding-DNA position 2129, G replaced by A.
Protein change: p.Gly710Glu; replaces glycine 710 with glutamic acid.
Molecular consequence: missense variant.
Genome position (GRCh38, 1-based): chr15:42,410,441, G>A. VCF-style: chr15-42410441-G-A. GRCh37 (hg19) VCF-style: chr15-42702639-G-A.
Other names: c.2111G>A, p.Gly704Glu (NM_024344.2); c.1853G>A, p.Gly618Glu (NM_173087.2); c.593G>A, p.Gly198Glu (NM_173088.2); c.134G>A, p.Gly45Glu (NM_173089.2, NM_173090.2); short protein forms G710E, G198E, G704E, G45E, G618E.
Identifiers: ClinVar variation 3638461 (VCV003638461.2).